The following is an entry in ClinVar:

ClinVar aggregate classification (germline): Benign/Likely benign. Review status: criteria provided, multiple submitters, no conflicts (2 of 4 stars). 3 submissions from 3 submitters: Benign (1); Likely benign (1). 1 of the submissions does not count toward it. Last evaluated 2026-01-21.

Conditions:
KRT74-related disorder. Also called: KRT74-related condition.

Allele frequency attached by ClinVar (database versions not stated): 1000 Genomes Project 0.00140; gnomAD 0.00159 and 0.00168; ESP Exome Variant Server 0.00169; 1000 Genomes Project 30x 0.00172; TOPMed 0.00185.
gnomAD v4.1: 1,371 of 1,611,870 alleles (0.085%); highest among the groups gnomAD compares: Middle Eastern, 0.35%; 6 homozygotes.

Submissions (3):

Labcorp Genetics (formerly Invitae), Labcorp
Classification: Benign. Last evaluated: 2026-01-21. Review status: criteria provided, single submitter. Criteria: Invitae Variant Classification Sherloc (09022015). Collection method: clinical testing. Allele origin: germline.

Blueprint Genetics
Classification: Likely benign. Last evaluated: 2024-11-20. Review status: criteria provided, single submitter. Criteria: ACMG Guidelines, 2015. Collection method: clinical testing. Allele origin: germline.

PreventionGenetics, part of Exact Sciences
Classification: Likely benign for KRT74-related condition. Last evaluated: 2019-06-25. Review status: no assertion criteria provided. Collection method: clinical testing. Allele origin: germline. Not counted in ClinVar's aggregate classification.
Comment: This variant is classified as likely benign based on ACMG/AMP sequence variant interpretation guidelines (Richards et al. 2015 PMID: 25741868, with internal and published modifications).

NM_175053.4(KRT74):c.748-2A>G

Gene: KRT74 (keratin 74; minus strand). Cytogenetic location: 12q13.13.
Variant type: single nucleotide variant.
Coding change: c.748-2A>G on transcript NM_175053.4 (MANE Select); the canonical splice acceptor site of the intron before coding-DNA position 748, A replaced by G.
Molecular consequence: splice acceptor variant.
Genome position (GRCh38, 1-based): chr12:52,571,456, T>C on the plus strand (A>G on the coding strand, the complement: KRT74 is on the minus strand). VCF-style: chr12-52571456-T-C. GRCh37 (hg19) VCF-style: chr12-52965240-T-C.
Identifiers: ClinVar variation 729450 (VCV000729450.13), dbSNP rs144445159, ClinGen allele CA6583949.